The following is an entry in ClinVar:

NM_001040424.3(PRDM15):c.-9-1296G>A

Gene: PRDM15 (PR/SET domain 15; minus strand). Cytogenetic location: 21q22.3.
Variant type: single nucleotide variant.
Coding change: c.-9-1296G>A on transcript NM_001040424.3 (MANE Select); 1296 bases into the intron before 9 bases upstream of the start codon, G replaced by A.
Molecular consequence: intron variant. On other transcripts: 5 prime UTR variant (1).
Genome position (GRCh38, 1-based): chr21:41,861,668, C>T on the plus strand (G>A on the coding strand, the complement: PRDM15 is on the minus strand). VCF-style: chr21-41861668-C-T. GRCh37 (hg19) VCF-style: chr21-43281777-C-T.
Other names: c.-115G>A (NM_022115.7); c.-9-1296G>A (NM_001282934.2).
Identifiers: ClinVar variation 2652693 (VCV002652693.25), dbSNP rs144911690, ClinGen allele CA10037336.

ClinVar aggregate classification (germline): Likely benign. Review status: criteria provided, multiple submitters, no conflicts (2 of 4 stars). 2 submissions from 2 submitters: Likely benign (2). Last evaluated 2024-11-28.

Allele frequency attached by ClinVar (database versions not stated): 1000 Genomes Project 30x 0.00031; 1000 Genomes Project 0.00040; ExAC 0.00262; TOPMed 0.00270; gnomAD 0.00292; gnomAD exomes 0.00317; ESP Exome Variant Server 0.00377.
gnomAD v4.1: 5,076 of 1,614,124 alleles (0.31%); highest among the groups gnomAD compares: Middle Eastern, 0.4%; 12 homozygotes.

Submissions (2):

Blueprint Genetics
Classification: Likely benign. Last evaluated: 2024-11-28. Review status: criteria provided, single submitter. Criteria: ACMG Guidelines, 2015. Collection method: clinical testing. Allele origin: germline.

CeGaT Center for Human Genetics Tuebingen
Classification: Likely benign. Last evaluated: 2022-07-01. Review status: criteria provided, single submitter. Criteria: CeGaT Center For Human Genetics Tuebingen Variant Classification Criteria Version 2. Collection method: clinical testing. Allele origin: germline. Affected: yes. Observed: 1 variant allele.
Comment: PRDM15: BP4, BP7